The following is an entry in ClinVar:

ClinVar aggregate classification (germline): Uncertain significance (1 of 4 stars; one submission).

Submission:

Women's Health and Genetics/Laboratory Corporation of America, LabCorp
Classification: Uncertain significance. Last evaluated: 2024-12-10. Review status: criteria provided, single submitter. Criteria: LabCorp Variant Classification Summary - May 2015. Collection method: clinical testing. Allele origin: germline.
Comment: Variant summary: CACNA1G c.3187G>C (p.Gly1063Arg) results in a non-conservative amino acid change in the encoded protein sequence. Three of five in-silico tools predict a benign effect of the variant on protein function. The variant was absent in 216496 control chromosomes. The available data on variant occurrences in the general population are insufficient to allow any conclusion about variant significance. To our knowledge, no occurrence of c.3187G>C in individuals affected with Spinocerebellar Ataxia Type 42 and no experimental evidence demonstrating its impact on protein function have been reported. No submitters have cited clinical-significance assessments for this variant to ClinVar. Based on the evidence outlined above, the variant was classified as uncertain significance.

NM_018896.5(CACNA1G):c.3187G>C (p.Gly1063Arg)

Gene: CACNA1G (calcium voltage-gated channel subunit alpha1 G; plus strand). Cytogenetic location: 17q21.33.
Variant type: single nucleotide variant.
Coding change: c.3187G>C on transcript NM_018896.5 (MANE Select); coding-DNA position 3187, G replaced by C.
Protein change: p.Gly1063Arg; replaces glycine 1063 with arginine.
Molecular consequence: missense variant. On other transcripts: non-coding transcript variant (5).
Genome position (GRCh38, 1-based): chr17:50,596,852, G>C. VCF-style: chr17-50596852-G-C. GRCh37 (hg19) VCF-style: chr17-48674213-G-C.
Other names: c.3187G>C, p.Gly1063Arg (NM_001256324.2, NM_001256325.2, NM_001256326.2 and 16 more transcripts); c.3118G>C, p.Gly1040Arg (NM_001256332.2, NM_198376.3, NM_198379.3 and 5 more transcripts); short protein forms G1040R, G1063R.
Identifiers: ClinVar variation 3768180 (VCV003768180.1).